The following is an entry in ClinVar:

ClinVar aggregate classification (germline): Uncertain significance. Review status: criteria provided, multiple submitters, no conflicts (2 of 4 stars). 3 submissions from 3 submitters: Uncertain significance (3). Last evaluated 2025-07-02.

Conditions:
Inborn genetic diseases. Identifiers: MedGen C0950123, MeSH D030342.

Allele frequency attached by ClinVar (database versions not stated): ExAC 0.00007; TOPMed 0.00007; gnomAD exomes 0.00010 and 0.00004; gnomAD 0.00006.
gnomAD v4.1: 63 of 1,553,406 alleles (0.0041%); highest among the groups gnomAD compares: Admixed American, 0.11%; 2 homozygotes.

Submissions (3):

Ambry Genetics
Classification: Uncertain significance for Inborn genetic diseases. Last evaluated: 2025-07-02. Review status: criteria provided, single submitter. Criteria: Ambry Variant Classification Scheme 2023. Collection method: clinical testing. Allele origin: germline.

Labcorp Genetics (formerly Invitae), Labcorp
Classification: Uncertain significance. Last evaluated: 2022-07-12. Review status: criteria provided, single submitter. Criteria: Invitae Variant Classification Sherloc (09022015). Collection method: clinical testing. Allele origin: germline.
Comment: This sequence change replaces aspartic acid, which is acidic and polar, with valine, which is neutral and non-polar, at codon 661 of the TBC1D32 protein (p.Asp661Val). This variant is present in population databases (rs753329266, gnomAD 0.08%), and has an allele count higher than expected for a pathogenic variant. This variant has not been reported in the literature in individuals affected with TBC1D32-related conditions. ClinVar contains an entry for this variant (Variation ID: 1524237). Algorithms developed to predict the effect of missense changes on protein structure and function are either unavailable or do not agree on the potential impact of this missense change (SIFT: "Tolerated"; PolyPhen-2: "Possibly Damaging"; Align-GVGD: "Class C0"). In summary, the available evidence is currently insufficient to determine the role of this variant in disease. Therefore, it has been classified as a Variant of Uncertain Significance.

GeneDx
Classification: Uncertain significance. Last evaluated: 2022-05-06. Review status: criteria provided, single submitter. Criteria: GeneDx Variant Classification Process June 2021. Collection method: clinical testing. Allele origin: germline. Affected: yes.
Comment: In silico analysis supports that this missense variant has a deleterious effect on protein structure/function; Has not been previously published as pathogenic or benign to our knowledge

NM_152730.6(TBC1D32):c.1982A>T (p.Asp661Val)

Gene: TBC1D32 (TBC1 domain family member 32; minus strand). Cytogenetic location: 6q22.31.
Variant type: single nucleotide variant.
Coding change: c.1982A>T on transcript NM_152730.6 (MANE Select); coding-DNA position 1982, A replaced by T.
Protein change: p.Asp661Val; replaces aspartic acid 661 with valine.
Molecular consequence: missense variant. On other transcripts: non-coding transcript variant (1).
Genome position (GRCh38, 1-based): chr6:121,255,364, T>A on the plus strand (A>T on the coding strand, the complement: TBC1D32 is on the minus strand). VCF-style: chr6-121255364-T-A. GRCh37 (hg19) VCF-style: chr6-121576510-T-A.
Other names: c.1982A>T, p.Asp661Val (NM_001367759.1, NM_001367760.1); c.1982A>T (NM_152730.4); short protein forms D661V.
Identifiers: ClinVar variation 1524237 (VCV001524237.8), dbSNP rs753329266, ClinGen allele CA3980985.
Genomic context (GRCh38, chr6:121,255,364, plus strand): 5'-ATGACTTTCATCAATTGTACTTACATGTTTTGGGATTCCTGGCTTACTGAAGAAACAGAA[T>A]CAGAACCCTCTACTGGAGTAGGAATTCTTTCTGATAGCAAACTTGTCTAAAAAATAGTAG-3'
Protein context (NP_689943.4, residues 651-671): ERIPTPVEGS[Asp661Val]SVSSVSQESQ